The following is an entry in ClinVar:

NM_000430.4(PAFAH1B1):c.124G>A (p.Glu42Lys)

Gene: PAFAH1B1 (platelet activating factor acetylhydrolase 1b regulatory subunit 1; plus strand). Cytogenetic location: 17p13.3.
Variant type: single nucleotide variant.
Coding change: c.124G>A on transcript NM_000430.4 (MANE Select); coding-DNA position 124, G replaced by A.
Protein change: p.Glu42Lys; replaces glutamic acid 42 with lysine.
Molecular consequence: missense variant.
Genome position (GRCh38, 1-based): chr17:2,666,022, G>A. VCF-style: chr17-2666022-G-A. GRCh37 (hg19) VCF-style: chr17-2569316-G-A.
Other names: short protein forms E42K.
Identifiers: ClinVar variation 2833830 (VCV002833830.3), dbSNP rs2544087906, ClinGen allele CA397638287.

ClinVar aggregate classification (germline): Uncertain significance (1 of 4 stars; one submission).

Submission:

Labcorp Genetics (formerly Invitae), Labcorp
Classification: Uncertain significance. Last evaluated: 2023-02-01. Review status: criteria provided, single submitter. Criteria: Invitae Variant Classification Sherloc (09022015). Collection method: clinical testing. Allele origin: germline.
Comment: This variant has not been reported in the literature in individuals affected with PAFAH1B1-related conditions. This sequence change replaces glutamic acid, which is acidic and polar, with lysine, which is basic and polar, at codon 42 of the PAFAH1B1 protein (p.Glu42Lys). This variant is not present in population databases (gnomAD no frequency). Algorithms developed to predict the effect of missense changes on protein structure and function (SIFT, PolyPhen-2, Align-GVGD) all suggest that this variant is likely to be tolerated. In summary, the available evidence is currently insufficient to determine the role of this variant in disease. Therefore, it has been classified as a Variant of Uncertain Significance.